The following is an entry in ClinVar:

NM_005585.5(SMAD6):c.346C>G (p.Leu116Val)

Gene: SMAD6 (SMAD family member 6; plus strand). Cytogenetic location: 15q22.31.
Variant type: single nucleotide variant.
Coding change: c.346C>G on transcript NM_005585.5 (MANE Select); coding-DNA position 346, C replaced by G.
Protein change: p.Leu116Val; replaces leucine 116 with valine.
Molecular consequence: missense variant. On other transcripts: non-coding transcript variant (1).
Genome position (GRCh38, 1-based): chr15:66,703,604, C>G. VCF-style: chr15-66703604-C-G. GRCh37 (hg19) VCF-style: chr15-66995942-C-G.
Other names: short protein forms L116V.
Identifiers: ClinVar variation 4170076 (VCV004170076.2).

ClinVar aggregate classification (germline): Uncertain significance. Review status: criteria provided, multiple submitters, no conflicts (2 of 4 stars). 2 submissions from 2 submitters: Uncertain significance (2). Last evaluated 2025-12-28.

Conditions:
Inborn genetic diseases. Identifiers: MedGen C0950123, MeSH D030342.

Submissions (2):

Women's Health and Genetics/Laboratory Corporation of America, LabCorp
Classification: Uncertain significance. Last evaluated: 2025-12-28. Review status: criteria provided, single submitter. Criteria: LabCorp Variant Classification Summary - May 2015. Collection method: clinical testing. Allele origin: germline.
Comment: Variant summary: SMAD6 c.346C>G (p.Leu116Val) results in a conservative amino acid change in the encoded protein sequence. Algorithms developed to predict the effect of missense changes on protein structure and function all suggest that this variant is likely to be tolerated. The variant was absent in 9270 control chromosomes. The available data on variant occurrences in the general population are insufficient to allow any conclusion about variant significance. To our knowledge, no occurrence of c.346C>G in individuals affected with SMAD6-related conditions and no experimental evidence demonstrating its impact on protein function have been reported. ClinVar contains an entry for this variant (Variation ID: 4170076). Based on the evidence outlined above, the variant was classified as uncertain significance.

Ambry Genetics
Classification: Uncertain significance for Inborn genetic diseases. Last evaluated: 2025-08-09. Review status: criteria provided, single submitter. Criteria: Ambry Variant Classification Scheme 2023. Collection method: clinical testing. Allele origin: germline.
Comment: The p.L116V variant (also known as c.346C>G), located in coding exon 1 of the SMAD6 gene, results from a C to G substitution at nucleotide position 346. The leucine at codon 116 is replaced by valine, an amino acid with highly similar properties. This amino acid position is conserved. In addition, this alteration is predicted to be tolerated by in silico analysis. Based on the available evidence, the clinical significance of this variant remains unclear.